The following is an entry in ClinVar:

ClinVar aggregate classification (germline): Uncertain significance (1 of 4 stars; one submission).

Submission:

Labcorp Genetics (formerly Invitae), Labcorp
Classification: Uncertain significance. Last evaluated: 2025-04-20. Review status: criteria provided, single submitter. Criteria: Invitae Variant Classification Sherloc (09022015). Collection method: clinical testing. Allele origin: germline.
Comment: This sequence change replaces threonine, which is neutral and polar, with isoleucine, which is neutral and non-polar, at codon 2635 of the KMT2A protein (p.Thr2635Ile). This variant is not present in population databases (gnomAD no frequency). This variant has not been reported in the literature in individuals affected with KMT2A-related conditions. Invitae Evidence Modeling of protein sequence and biophysical properties (such as structural, functional, and spatial information, amino acid conservation, physicochemical variation, residue mobility, and thermodynamic stability) has been performed for this missense variant. However, the output from this modeling did not meet the statistical confidence thresholds required to predict the impact of this variant on KMT2A protein function. In summary, the available evidence is currently insufficient to determine the role of this variant in disease. Therefore, it has been classified as a Variant of Uncertain Significance.

NM_001197104.2(KMT2A):c.7904C>T (p.Thr2635Ile)

Gene: KMT2A (lysine methyltransferase 2A; plus strand). Cytogenetic location: 11q23.3.
Variant type: single nucleotide variant.
Coding change: c.7904C>T on transcript NM_001197104.2 (MANE Select); coding-DNA position 7904, C replaced by T.
Protein change: p.Thr2635Ile; replaces threonine 2635 with isoleucine.
Molecular consequence: missense variant.
Genome position (GRCh38, 1-based): chr11:118,503,796, C>T. VCF-style: chr11-118503796-C-T. GRCh37 (hg19) VCF-style: chr11-118374511-C-T.
Other names: c.7994C>T, p.Thr2665Ile (NM_001412597.1); c.7895C>T, p.Thr2632Ile (NM_005933.4); short protein forms T2632I, T2635I, T2665I.
Identifiers: ClinVar variation 4800559 (VCV004800559.1).